The following is an entry in ClinVar:

ClinVar aggregate classification (germline): Uncertain significance (1 of 4 stars; one submission).

Conditions:
Atrial standstill 1 (ATRST1). Also called: ATRIAL CARDIOMYOPATHY WITH HEART BLOCK; CARDIOMYOPATHY, FAMILIAL, WITH CONDUCTION DISTURBANCE; Atrial standstill, digenic (GJA5/SCN5A). Identifiers: Orphanet 1344, MedGen C4551959, MONDO:0007171, OMIM 108770.
Atrial fibrillation, familial, 11 (ATFB11). Identifiers: MedGen C3279693, MONDO:0013544, OMIM 614049.

gnomAD v4.1: 8 of 1,614,056 alleles (0.0005%); highest among the groups gnomAD compares: Non-Finnish European, 0.00068%; no homozygotes.

Submission:

Labcorp Genetics (formerly Invitae), Labcorp
Classification: Uncertain significance for Atrial fibrillation, familial, 11; Atrial standstill 1. Last evaluated: 2025-12-15. Review status: criteria provided, single submitter. Criteria: Invitae Variant Classification Sherloc (09022015). Collection method: clinical testing. Allele origin: germline.
Comment: This sequence change replaces leucine, which is neutral and non-polar, with glutamine, which is neutral and polar, at codon 271 of the GJA5 protein (p.Leu271Gln). This variant is present in population databases (rs782376614, gnomAD 0.002%). This variant has not been reported in the literature in individuals affected with GJA5-related conditions. ClinVar contains an entry for this variant (Variation ID: 3760765). Invitae Evidence Modeling of protein sequence and biophysical properties (such as structural, functional, and spatial information, amino acid conservation, physicochemical variation, residue mobility, and thermodynamic stability) indicates that this missense variant is not expected to disrupt GJA5 protein function with a negative predictive value of 80%. In summary, the available evidence is currently insufficient to determine the role of this variant in disease. Therefore, it has been classified as a Variant of Uncertain Significance.

NM_181703.4(GJA5):c.812T>A (p.Leu271Gln)

Genes: GJA5 (gap junction protein alpha 5; minus strand), LOC122128420 (Sharpr-MPRA regulatory region 3144; plus strand). Cytogenetic location: 1q21.2.
Variant type: single nucleotide variant.
Coding change: c.812T>A on transcript NM_181703.4 (MANE Select); coding-DNA position 812, T replaced by A.
Protein change: p.Leu271Gln; replaces leucine 271 with glutamine.
Molecular consequence: missense variant.
Genome position (GRCh38, 1-based): chr1:147,758,427, A>T on the plus strand (T>A on the coding strand, the complement: GJA5 is on the minus strand). VCF-style: chr1-147758427-A-T. GRCh37 (hg19) VCF-style: chr1-147230535-A-T.
Other names: c.812T>A, p.Leu271Gln (NM_005266.7); short protein forms L271Q.
Identifiers: ClinVar variation 3760765 (VCV003760765.2).